The following is an entry in ClinVar:

NM_006017.3(PROM1):c.2170C>T (p.Gln724Ter)

Gene: PROM1 (prominin 1; minus strand). Cytogenetic location: 4p15.32.
Variant type: single nucleotide variant.
Coding change: c.2170C>T on transcript NM_006017.3 (MANE Select); coding-DNA position 2170, C replaced by T.
Protein change: p.Gln724Ter; replaces glutamine 724 with a stop codon.
Molecular consequence: nonsense.
Genome position (GRCh38, 1-based): chr4:15,985,998, G>A on the plus strand (C>T on the coding strand, the complement: PROM1 is on the minus strand). VCF-style: chr4-15985998-G-A. GRCh37 (hg19) VCF-style: chr4-15987621-G-A.
Other names: c.2143C>T, p.Gln715Ter (NM_001145847.2, NM_001145848.2, NM_001145851.2 and 4 more transcripts); c.2170C>T, p.Gln724Ter (NM_001145849.2, NM_001145850.2); short protein forms Q715*, Q724*.
Identifiers: ClinVar variation 967071 (VCV000967071.7), dbSNP rs1719307363, ClinGen allele CA356428373.

ClinVar aggregate classification (germline): Pathogenic (1 of 4 stars; one submission).

Submission:

Labcorp Genetics (formerly Invitae), Labcorp
Classification: Pathogenic. Last evaluated: 2025-09-21. Review status: criteria provided, single submitter. Criteria: Invitae Variant Classification Sherloc (09022015). Collection method: clinical testing. Allele origin: germline.
Comment: This sequence change creates a premature translational stop signal (p.Gln724*) in the PROM1 gene. It is expected to result in an absent or disrupted protein product. Loss-of-function variants in PROM1 are known to be pathogenic (PMID: 17605048, 19718270, 24154662, 25474345). This variant is not present in population databases (gnomAD no frequency). This variant has not been reported in the literature in individuals affected with PROM1-related conditions. ClinVar contains an entry for this variant (Variation ID: 967071). Algorithms developed to predict the effect of sequence changes on RNA splicing suggest that this variant may disrupt the consensus splice site. For these reasons, this variant has been classified as Pathogenic.

Literature cited by the submitters: PubMed 17605048; PubMed 19718270; PubMed 24154662; PubMed 25474345.